The following is an entry in ClinVar:

ClinVar aggregate classification (germline): Uncertain significance (1 of 4 stars; one submission).

Submission:

GeneDx
Classification: Uncertain significance. Last evaluated: 2024-09-13. Review status: criteria provided, single submitter. Criteria: GeneDx Variant Classification Process June 2021. Collection method: clinical testing. Allele origin: germline. Affected: yes.
Comment: Not observed at significant frequency in large population cohorts (gnomAD); In silico analysis indicates that this missense variant does not alter protein structure/function; Has not been previously published as pathogenic or benign to our knowledge

NM_018489.3(ASH1L):c.5500A>C (p.Lys1834Gln)

Gene: ASH1L (ASH1 like histone lysine methyltransferase; minus strand). Cytogenetic location: 1q22.
Variant type: single nucleotide variant.
Coding change: c.5500A>C on transcript NM_018489.3 (MANE Select); coding-DNA position 5500, A replaced by C.
Protein change: p.Lys1834Gln; replaces lysine 1834 with glutamine.
Molecular consequence: missense variant.
Genome position (GRCh38, 1-based): chr1:155,438,655, T>G on the plus strand (A>C on the coding strand, the complement: ASH1L is on the minus strand). VCF-style: chr1-155438655-T-G. GRCh37 (hg19) VCF-style: chr1-155408446-T-G.
Other names: c.5500A>C, p.Lys1834Gln (NM_001366177.2); short protein forms K1834Q.
Identifiers: ClinVar variation 3769728 (VCV003769728.1).